The following is an entry in ClinVar:

ClinVar aggregate classification (germline): Pathogenic. Review status: criteria provided, multiple submitters, no conflicts (2 of 4 stars). 2 submissions from 2 submitters: Pathogenic (2). Last evaluated 2025-12-26.

Conditions:
Autosomal recessive spastic paraplegia type 76. Identifiers: Orphanet 488594, MedGen C5567483, MONDO:0014827, OMIM 616907.

Allele frequency attached by ClinVar (database versions not stated): gnomAD exomes below 0.00001.
gnomAD v4.1: 1 of 1,609,588 alleles (0.000062%); highest among the groups gnomAD compares: East Asian, 0.0022%; no homozygotes.

Submissions (2):

Labcorp Genetics (formerly Invitae), Labcorp
Classification: Pathogenic. Last evaluated: 2025-12-26. Review status: criteria provided, single submitter. Criteria: Invitae Variant Classification Sherloc (09022015). Collection method: clinical testing. Allele origin: germline.
Comment: This sequence change affects an acceptor splice site in intron 3 of the CAPN1 gene. RNA analysis indicates that disruption of this splice site induces altered splicing and may result in an absent or altered protein product. This variant is not present in population databases (gnomAD no frequency). Disruption of this splice site has been observed in individual(s) with CAPN1-related conditions (PMID: 31982778). It has also been observed to segregate with disease in related individuals. ClinVar contains an entry for this variant (Variation ID: 617483). Studies have shown that disruption of this splice site results in activation of a cryptic splice site, and produces a non-functional protein and/or introduces a premature termination codon (PMID: 31982778). For these reasons, this variant has been classified as Pathogenic.

Department of Neurology, The Third Xiangya Hospital, Central South University
Classification: Pathogenic for Autosomal recessive spastic paraplegia type 76. Last evaluated: 2019-01-08. Review status: criteria provided, single submitter. Criteria: ACMG Guidelines, 2015. Collection method: research. Allele origin: inherited. Inheritance: Autosomal recessive inheritance. Affected: yes. Observed: 3 variant alleles, 3 homozygotes. Clinical features observed: spastic paraplegia, ataxia, dysarthria, dysphagia, hearing and visual acuity decreased, hypermyotonia, tendon hyperreflexia, patellar clonus.
Comment: In 3 affected members of a consanguineous Chinese family with recessive inherited spastic paraplegia-76 (SPG76; 616907), Gan-Or et al. (2016) identified a splicing site mutations in the CAPN1 gene (coding calpain-1) NM_001198868: c.338-1G>A. The variant segregated with the phenotype perfectly in the family and predicted to resulting in a frameshift and premature termination (p.Asp114Thrfs*62). The mutation, which was neither found in controls nor in the public databases (1000G and ExAC). Gan-Or et al. (2016) demonstrated that loss of calpain-1 function resulted in neuronal and axonal dysfunction and degeneration. Yubin Wang et al. (2016) also confirmed the pathogenicity in CAPN1 gene. In summary, the variant we found meets our criteria to be classified as pathogenic. Functional studies of the variant and studies of patient cells were not performed.

Literature cited by the submitters: PubMed 31982778 (cited by Labcorp Genetics (formerly Invitae), Labcorp).

NM_005186.4(CAPN1):c.338-1G>A

Gene: CAPN1 (calpain 1; plus strand). Cytogenetic location: 11q13.1.
Variant type: single nucleotide variant.
Coding change: c.338-1G>A on transcript NM_005186.4 (MANE Select); the canonical splice acceptor site of the intron before coding-DNA position 338, G replaced by A.
Molecular consequence: splice acceptor variant.
Genome position (GRCh38, 1-based): chr11:65,183,473, G>A. VCF-style: chr11-65183473-G-A. GRCh37 (hg19) VCF-style: chr11-64950944-G-A.
Other names: c.338-1G>A (NM_001198868.2, NM_001198869.2).
Identifiers: ClinVar variation 617483 (VCV000617483.5), dbSNP rs1590847310, ClinGen allele CA381241837.